The following is an entry in ClinVar:

ClinVar aggregate classification (germline): Uncertain significance. Review status: criteria provided, multiple submitters, no conflicts (2 of 4 stars). 2 submissions from 2 submitters: Uncertain significance (2). Last evaluated 2025-12-21.

Conditions:
Hereditary pancreatitis (PCTT). Also called: Hereditary chronic pancreatitis; PRSS1-Related Hereditary Pancreatitis. Identifiers: Orphanet 676, MedGen C0238339, MONDO:0008185, OMIM 167800.

Allele frequency attached by ClinVar (database versions not stated): ExAC 0.00006; gnomAD 0.00007 and 0.00008; gnomAD exomes 0.00007 and 0.00010; TOPMed 0.00009; ESP Exome Variant Server 0.00015.
gnomAD v4.1: 151 of 1,605,588 alleles (0.0094%); highest among the groups gnomAD compares: Non-Finnish European, 0.011%; no homozygotes.

Submissions (2):

Labcorp Genetics (formerly Invitae), Labcorp
Classification: Uncertain significance. Last evaluated: 2025-12-21. Review status: criteria provided, single submitter. Criteria: Invitae Variant Classification Sherloc (09022015). Collection method: clinical testing. Allele origin: germline.
Comment: This sequence change affects codon 232 of the CPA1 mRNA. It is a 'silent' change, meaning that it does not change the encoded amino acid sequence of the CPA1 protein. This variant also falls at the last nucleotide of exon 6, which is part of the consensus splice site for this exon. This variant is present in population databases (rs150092860, gnomAD 0.03%). This variant has not been reported in the literature in individuals affected with CPA1-related conditions. ClinVar contains an entry for this variant (Variation ID: 1047148). Variants that disrupt the consensus splice site are a relatively common cause of aberrant splicing (PMID: 17576681, 9536098). Algorithms developed to predict the effect of sequence changes on RNA splicing suggest that this variant may disrupt the consensus splice site. In summary, the available evidence is currently insufficient to determine the role of this variant in disease. Therefore, it has been classified as a Variant of Uncertain Significance.

Ambry Genetics
Classification: Uncertain significance for Hereditary pancreatitis. Last evaluated: 2025-10-16. Review status: criteria provided, single submitter. Criteria: Ambry Variant Classification Scheme 2023. Collection method: clinical testing. Allele origin: germline.
Comment: The c.696G>A variant (also known as p.T232T) is located in coding exon 6 of the CPA1 gene. This variant results from a G to A substitution at nucleotide position 696. This nucleotide substitution does not change the threonine at codon 232. However, this change occurs in the last base pair of coding exon 6, which makes it likely to have some effect on normal mRNA splicing. This nucleotide position is well conserved in available vertebrate species. In silico splice site analysis for this alteration is inconclusive. Based on the available evidence, the clinical significance of this variant remains unclear.

Literature cited by the submitters: PubMed 17576681 (cited by Labcorp Genetics (formerly Invitae), Labcorp); PubMed 9536098 (cited by Labcorp Genetics (formerly Invitae), Labcorp); PubMed 23955596 (cited by Ambry Genetics).

NM_001868.4(CPA1):c.696G>A (p.Thr232=)

Gene: CPA1 (carboxypeptidase A1; plus strand). Cytogenetic location: 7q32.2.
Variant type: single nucleotide variant.
Coding change: c.696G>A on transcript NM_001868.4 (MANE Select); coding-DNA position 696, G replaced by A.
Protein change: p.Thr232=; no amino-acid change (threonine 232 retained).
Molecular consequence: synonymous variant.
Genome position (GRCh38, 1-based): chr7:130,383,794, G>A. VCF-style: chr7-130383794-G-A. GRCh37 (hg19) VCF-style: chr7-130023635-G-A.
Identifiers: ClinVar variation 1047148 (VCV001047148.11), dbSNP rs150092860, ClinGen allele CA4484892.